The following is an entry in ClinVar:

ClinVar aggregate classification (germline): Uncertain significance. Review status: criteria provided, multiple submitters, no conflicts (2 of 4 stars). 2 submissions from 2 submitters: Uncertain significance (2). Last evaluated 2025-06-25.

Conditions:
RASopathy. Also called: rasopathies; Noonan spectrum disorder. Identifiers: Orphanet 536391, MedGen C5555857, MONDO:0021060.
Cardiovascular phenotype. Identifiers: MedGen CN230736.

Allele frequency attached by ClinVar (database versions not stated): gnomAD exomes below 0.00001; TOPMed below 0.00001.
gnomAD v4.1: 1 of 1,614,080 alleles (0.000062%); highest among the groups gnomAD compares: Admixed American, 0.0017%; no homozygotes.

Submissions (2):

Ambry Genetics
Classification: Uncertain significance for Cardiovascular phenotype. Last evaluated: 2025-06-25. Review status: criteria provided, single submitter. Criteria: Ambry Variant Classification Scheme 2023. Collection method: clinical testing. Allele origin: germline.
Comment: The p.E815K variant (also known as c.2443G>A), located in coding exon 16 of the CBL gene, results from a G to A substitution at nucleotide position 2443. The glutamic acid at codon 815 is replaced by lysine, an amino acid with similar properties. This amino acid position is conserved. In addition, the in silico prediction for this alteration is inconclusive. Based on the available evidence, the clinical significance of this variant remains unclear.

Labcorp Genetics (formerly Invitae), Labcorp
Classification: Uncertain significance for RASopathy. Last evaluated: 2022-09-01. Review status: criteria provided, single submitter. Criteria: Invitae Variant Classification Sherloc (09022015). Collection method: clinical testing. Allele origin: germline.
Comment: In summary, the available evidence is currently insufficient to determine the role of this variant in disease. Therefore, it has been classified as a Variant of Uncertain Significance. Advanced modeling of protein sequence and biophysical properties (such as structural, functional, and spatial information, amino acid conservation, physicochemical variation, residue mobility, and thermodynamic stability) performed at Invitae indicates that this missense variant is not expected to disrupt CBL protein function. This variant has not been reported in the literature in individuals affected with CBL-related conditions. This variant is not present in population databases (gnomAD no frequency). This sequence change replaces glutamic acid, which is acidic and polar, with lysine, which is basic and polar, at codon 815 of the CBL protein (p.Glu815Lys).

NM_005188.4(CBL):c.2443G>A (p.Glu815Lys)

Gene: CBL (Cbl proto-oncogene; plus strand). Cytogenetic location: 11q23.3.
Variant type: single nucleotide variant.
Coding change: c.2443G>A on transcript NM_005188.4 (MANE Select); coding-DNA position 2443, G replaced by A.
Protein change: p.Glu815Lys; replaces glutamic acid 815 with lysine.
Molecular consequence: missense variant.
Genome position (GRCh38, 1-based): chr11:119,299,503, G>A. VCF-style: chr11-119299503-G-A. GRCh37 (hg19) VCF-style: chr11-119170213-G-A.
Other names: c.2443G>A (NM_005188.2); short protein forms E815K.
Identifiers: ClinVar variation 2090431 (VCV002090431.5), dbSNP rs1950085275, ClinGen allele CA382931767.